The following is an entry in ClinVar:

NM_001042492.3(NF1):c.3197+491_3384del

Gene: NF1 (neurofibromin 1; plus strand). Cytogenetic location: 17q11.2.
Variant type: Deletion.
Coding change: c.3197+491_3384del on transcript NM_001042492.3 (MANE Select); 491 bases into the intron after coding-DNA position 3197 through coding-DNA position 3384, 1,354 bases deleted.
Molecular consequence: splice acceptor variant, splice donor variant.
Genome position (GRCh38, 1-based): chr17:31,231,416-31,232,769, 1,354 bases deleted. GRCh37 (hg19): chr17:29,558,434-29,559,787.
Other names: c.3197+491_3384del (NM_000267.4); c.3197+489_3382del (NM_000267.3).
Identifiers: ClinVar variation 577962 (VCV000577962.1), ClinGen allele CA891844376.

ClinVar aggregate classification (germline): Likely pathogenic (1 of 4 stars; one submission).

Conditions:
Neurofibromatosis, type 1 (NF1). Also called: Peripheral type neurofibromatosis; Neurofibromatosis, type I; VON RECKLINGHAUSEN DISEASE; NEUROFIBROMATOSIS, TYPE I, SOMATIC. Identifiers: Orphanet 636, MedGen C0027831, MONDO:0018975, OMIM 162200. Disease mechanism: loss of function.

Submission:

Labcorp Genetics (formerly Invitae), Labcorp
Classification: Likely pathogenic for Neurofibromatosis, type 1. Last evaluated: 2018-05-09. Review status: criteria provided, single submitter. Criteria: Invitae Variant Classification Sherloc (09022015). Collection method: clinical testing. Allele origin: germline.
Comment: This variant is a gross deletion of the genomic region encompassing exon 25 and part of exon 26 (c.3197+489_3382del) of the NF1 gene. It is expected to disrupt RNA splicing and likely results in an absent or disrupted protein product. This variant has not been reported in the literature in individuals with NF1-related disease. Loss-of-function variants in NF1 are known to be pathogenic (PMID: 10712197, 23913538). In summary, the currently available evidence indicates that the variant is pathogenic, but additional data are needed to prove that conclusively. Therefore, this variant has been classified as Likely Pathogenic.